The following is an entry in ClinVar:

NM_002609.4(PDGFRB):c.2586C>T (p.Ser862=)

Gene: PDGFRB (platelet derived growth factor receptor beta; minus strand). Cytogenetic location: 5q32.
Variant type: single nucleotide variant.
Coding change: c.2586C>T on transcript NM_002609.4 (MANE Select); coding-DNA position 2586, C replaced by T.
Protein change: p.Ser862=; no amino-acid change (serine 862 retained).
Molecular consequence: synonymous variant.
Genome position (GRCh38, 1-based): chr5:150,120,888, G>A on the plus strand (C>T on the coding strand, the complement: PDGFRB is on the minus strand). VCF-style: chr5-150120888-G-A. GRCh37 (hg19) VCF-style: chr5-149500451-G-A.
Other names: c.2394C>T, p.Ser798= (NM_001355016.2); c.2103C>T, p.Ser701= (NM_001355017.2).
Identifiers: ClinVar variation 3754179 (VCV003754179.2).

ClinVar aggregate classification (germline): Uncertain significance (1 of 4 stars; one submission).

Conditions:
Skeletal overgrowth-craniofacial dysmorphism-hyperelastic skin-white matter lesions syndrome. Also called: SKELETAL OVERGROWTH WITH FACIAL DYSMORPHISM, HYPERELASTIC SKIN, WHITE MATTER LESIONS, AND NEUROLOGIC DETERIORATION; Kosaki overgrowth syndrome. Identifiers: Orphanet 477831, MedGen C4225270, MONDO:0014704, OMIM 616592.
Infantile myofibromatosis (IMF). Also called: Congenital generalized fibromatosis. Identifiers: Orphanet 2591, MedGen C0432284, MONDO:0016824.
Basal ganglia calcification, idiopathic, 4 (PFBC4). Also called: Familial Idiopathic Basal Ganglia Calcification 4; PRIMARY FAMILIAL BRAIN CALCIFICATION 4, AUTOSOMAL DOMINANT. Identifiers: Orphanet 1980, MedGen C3554321, MONDO:0014004, OMIM 615007.
Acroosteolysis-keloid-like lesions-premature aging syndrome. Also called: Premature aging syndrome, Penttinen type; Prematurely aged appearance, delayed bone maturation, acro-osteolysis, and brachydactyly; Progeroid syndrome, Penttinen type. Identifiers: Orphanet 363665, MedGen C1866182, MONDO:0011150, OMIM 601812.

gnomAD v4.1: 78 of 1,613,722 alleles (0.0048%); highest among the groups gnomAD compares: Non-Finnish European, 0.0057%; 1 homozygote.

Submission:

Labcorp Genetics (formerly Invitae), Labcorp
Classification: Uncertain significance for Basal ganglia calcification, idiopathic, 4; Skeletal overgrowth-craniofacial dysmorphism-hyperelastic skin-white matter lesions syndrome; Infantile myofibromatosis; Acroosteolysis-keloid-like lesions-premature aging syndrome. Last evaluated: 2024-12-17. Review status: criteria provided, single submitter. Criteria: Invitae Variant Classification Sherloc (09022015). Collection method: clinical testing. Allele origin: germline.
Comment: This sequence change affects codon 862 of the PDGFRB mRNA. It is a 'silent' change, meaning that it does not change the encoded amino acid sequence of the PDGFRB protein. It affects a nucleotide within the consensus splice site. This variant is present in population databases (rs201662789, gnomAD 0.008%). This variant has not been reported in the literature in individuals affected with PDGFRB-related conditions. Algorithms developed to predict the effect of sequence changes on RNA splicing suggest that this variant is not likely to affect RNA splicing. In summary, the available evidence is currently insufficient to determine the role of this variant in disease. Therefore, it has been classified as a Variant of Uncertain Significance.